The following is an entry in ClinVar:

NM_001077365.2(POMT1):c.1366-61A>G

Gene: POMT1 (protein O-mannosyltransferase 1; plus strand). Cytogenetic location: 9q34.13.
Variant type: single nucleotide variant.
Coding change: c.1366-61A>G on transcript NM_001077365.2 (MANE Select); 61 bases into the intron before coding-DNA position 1366, A replaced by G.
Molecular consequence: intron variant. On other transcripts: non-coding transcript variant (5).
Genome position (GRCh38, 1-based): chr9:131,518,776, A>G. VCF-style: chr9-131518776-A-G. GRCh37 (hg19) VCF-style: chr9-134394163-A-G.
Other names: c.1270-61A>G (NM_001353198.2, NM_001353197.2); c.1432-61A>G (NM_001353193.2, NM_007171.4); c.1366-61A>G (NM_001136113.2); c.1204-61A>G (NM_001353194.2, NM_001077366.2); c.1015-61A>G (NM_001374691.1, NM_001353195.2, NM_001374692.1 and 2 more transcripts); c.1365+239A>G (NM_001374690.1); c.1276-61A>G (NM_001353196.2); c.976-61A>G (NM_001374695.1); and 3 more.
Identifiers: ClinVar variation 670963 (VCV000670963.2), dbSNP rs1547768, ClinGen allele CA13040150.

ClinVar aggregate classification (germline): Benign. Review status: criteria provided, multiple submitters, no conflicts (2 of 4 stars). 2 submissions from 2 submitters: Benign (2). Last evaluated 2018-06-14.

Allele frequency attached by ClinVar (database versions not stated): 1000 Genomes Project 30x 0.86649; TOPMed 0.86859; 1000 Genomes Project 0.87041; gnomAD 0.88236 and 0.88675.
gnomAD v4.1: 1,515,121 of 1,613,206 alleles (94%); highest among the groups gnomAD compares: South Asian, 97%; 713,756 homozygotes.

Submissions (2):

GeneDx
Classification: Benign. Last evaluated: 2018-06-14. Review status: criteria provided, single submitter. Criteria: GeneDx Variant Classification (06012015). Collection method: clinical testing. Allele origin: germline. Affected: yes.
Comment: This variant is considered likely benign or benign based on one or more of the following criteria: it is a conservative change, it occurs at a poorly conserved position in the protein, it is predicted to be benign by multiple in silico algorithms, and/or has population frequency not consistent with disease.

Breakthrough Genomics
Classification: Benign. Review status: criteria provided, single submitter. Criteria: ACMG Guidelines, 2015. Collection method: not provided. Allele origin: germline. Inheritance: Autosomal recessive inheritance. Affected: yes.